The following is an entry in ClinVar:

NM_024675.4(PALB2):c.549T>A (p.Ser183Arg)

Gene: PALB2 (partner and localizer of BRCA2; minus strand). Cytogenetic location: 16p12.2.
Variant type: single nucleotide variant.
Coding change: c.549T>A on transcript NM_024675.4 (MANE Select); coding-DNA position 549, T replaced by A.
Protein change: p.Ser183Arg; replaces serine 183 with arginine.
Molecular consequence: missense variant.
Genome position (GRCh38, 1-based): chr16:23,635,997, A>T on the plus strand (T>A on the coding strand, the complement: PALB2 is on the minus strand). VCF-style: chr16-23635997-A-T. GRCh37 (hg19) VCF-style: chr16-23647318-A-T.
Other names: short protein forms S183R.
Identifiers: ClinVar variation 825774 (VCV000825774.5), dbSNP rs1597098910, ClinGen allele CA395136869.
Genomic context (GRCh38, chr16:23,635,997, plus strand): 5'-TTTAAGACTTAAAAGGTGAGTTCTTATTTCAGTTACTGGTGATCTAGCAGGATTTTTGCT[A>T]CTGATTTCTTCCTGTTCCTTTAGTCTTTTCCCAGACAATCTGAGTGAATCAGTGCCAAAG-3'
Protein context (NP_078951.2, residues 173-193): GKRLKEQEEI[Ser183Arg]SKNPARSPVT

ClinVar aggregate classification (germline): Uncertain significance (1 of 4 stars; one submission).

Conditions:
Hereditary cancer-predisposing syndrome. Also called: Neoplastic Syndromes, Hereditary; Tumor predisposition; Hereditary neoplastic syndrome; Hereditary Cancer Syndrome. Identifiers: Orphanet 140162, MedGen C0027672, MeSH D009386, MONDO:0015356.

Submission:

Ambry Genetics
Classification: Uncertain significance for Hereditary cancer-predisposing syndrome. Last evaluated: 2025-04-11. Review status: criteria provided, single submitter. Criteria: Ambry Variant Classification Scheme 2023. Collection method: clinical testing. Allele origin: germline.
Comment: The p.S183R variant (also known as c.549T>A), located in coding exon 4 of the PALB2 gene, results from a T to A substitution at nucleotide position 549. The serine at codon 183 is replaced by arginine, an amino acid with dissimilar properties. This amino acid position is poorly conserved in available vertebrate species. In addition, this alteration is predicted to be tolerated by in silico analysis. Since supporting evidence is limited at this time, the clinical significance of this alteration remains unclear.